The following is an entry in ClinVar:

NM_002474.3(MYH11):c.3293+14_3293+15delinsAG

Gene: MYH11 (myosin heavy chain 11; minus strand). Cytogenetic location: 16p13.11.
Variant type: Indel.
Coding change: c.3293+14_3293+15delinsAG on transcript NM_002474.3 (MANE Select); bases 14 to 15 of the intron after coding-DNA position 3293, CA replaced by AG.
Molecular consequence: intron variant.
Genome position (GRCh38, 1-based): chr16:15,737,434-15,737,435, TG replaced by CT on the plus strand (CA replaced by AG on the coding strand, the reverse complement: MYH11 is on the minus strand). VCF-style: chr16-15737434-TG-CT. GRCh37 (hg19) VCF-style: chr16-15831291-TG-CT.
Other names: c.3293+14_3293+15delinsAG (NM_022844.3); c.3314+14_3314+15delinsAG (NM_001040114.2, NM_001040113.2).
Identifiers: ClinVar variation 4776297 (VCV004776297.1).

ClinVar aggregate classification (germline): Uncertain significance (1 of 4 stars; one submission).

Conditions:
Aortic aneurysm, familial thoracic 4 (AAT4). Also called: AORTIC ANEURYSM/AORTIC DISSECTION AND PATENT DUCTUS ARTERIOSUS. Identifiers: MedGen C1851504, MONDO:0007568, OMIM 132900.

Submission:

Labcorp Genetics (formerly Invitae), Labcorp
Classification: Uncertain significance for Aortic aneurysm, familial thoracic 4. Last evaluated: 2025-10-27. Review status: criteria provided, single submitter. Criteria: Invitae Variant Classification Sherloc (09022015). Collection method: clinical testing. Allele origin: germline.
Comment: This sequence change falls in intron 26 of the MYH11 gene. It does not directly change the encoded amino acid sequence of the MYH11 protein. Information on the frequency of this variant in the gnomAD database is not available, as this variant may be reported differently in the database. This variant has not been reported in the literature in individuals affected with MYH11-related conditions. Experimental studies and prediction algorithms are not available or were not evaluated, and the effect of this variant on mRNA splicing is currently unknown. In summary, the available evidence is currently insufficient to determine the role of this variant in disease. Therefore, it has been classified as a Variant of Uncertain Significance.